The following is an entry in ClinVar:

ClinVar aggregate classification (germline): Pathogenic (1 of 4 stars; one submission).

Conditions:
Autosomal dominant polycystic kidney disease. Identifiers: Orphanet 730, MedGen C0085413, MONDO:0004691.

Submission:

Labcorp Genetics (formerly Invitae), Labcorp
Classification: Pathogenic for Autosomal dominant polycystic kidney disease. Last evaluated: 2017-08-11. Review status: criteria provided, single submitter. Criteria: Invitae Variant Classification Sherloc (09022015). Collection method: clinical testing. Allele origin: germline.
Comment: This variant is a gross deletion of the genomic region encompassing exons 1-9 of the PKD2 gene, which includes the initiator codon. The 5' end of this event is unknown as it extends beyond the assayed region for this gene and therefore may encompass additional genes. The 3' boundary is likely confined to intron 9 of the PKD2 gene. This is expected to result in an absent or disrupted protein product. This variant has not been reported in the literature in individuals with PKD2-related disease. Loss-of-function variants in PKD2 are known to be pathogenic (PMID: 17582161, 22863349). For these reasons, this variant has been classified as Pathogenic.

NC_000004.12:g.(?_88007714)_(88058123_?)del

Genes: PKD2 (polycystin 2, transient receptor potential cation channel; plus strand), LOC129992814 (ATAC-STARR-seq lymphoblastoid silent region 15560; plus strand), LOC123477784 (Sharpr-MPRA regulatory region 5607; plus strand), LOC129992813 (ATAC-STARR-seq lymphoblastoid silent region 15559; plus strand). Cytogenetic location: 4q22.1.
Variant type: Deletion.
Identifiers: ClinVar variation 477620 (VCV000477620.1).